The following is an entry in ClinVar:

NM_017775.4(TTC19):c.371G>A (p.Arg124His)

Gene: TTC19 (tetratricopeptide repeat domain 19; plus strand). Cytogenetic location: 17p12.
Variant type: single nucleotide variant.
Coding change: c.371G>A on transcript NM_017775.4 (MANE Select); coding-DNA position 371, G replaced by A.
Protein change: p.Arg124His; replaces arginine 124 with histidine.
Molecular consequence: missense variant.
Genome position (GRCh38, 1-based): chr17:16,001,973, G>A. VCF-style: chr17-16001973-G-A. GRCh37 (hg19) VCF-style: chr17-15905287-G-A.
Other names: c.50G>A, p.Arg17His (NM_001271420.2); c.734G>A (NM_017775.2); short protein forms R124H, R17H.
Identifiers: ClinVar variation 891679 (VCV000891679.6), dbSNP rs139693104, ClinGen allele CA8407324.

ClinVar aggregate classification (germline): Uncertain significance. Review status: criteria provided, multiple submitters, no conflicts (2 of 4 stars). 3 submissions from 3 submitters: Uncertain significance (3). Last evaluated 2024-09-10.

Conditions:
Inborn genetic diseases. Identifiers: MedGen C0950123, MeSH D030342.
Mitochondrial complex III deficiency nuclear type 2. Identifiers: MedGen C3554605, MONDO:0014063, OMIM 615157.

Allele frequency attached by ClinVar (database versions not stated): gnomAD exomes 0.00001 and 0.00002; ExAC 0.00003; gnomAD 0.00004; TOPMed 0.00007; ESP Exome Variant Server 0.00015.
gnomAD v4.1: 26 of 1,613,176 alleles (0.0016%); highest among the groups gnomAD compares: Admixed American, 0.01%; no homozygotes.

Submissions (3):

Ambry Genetics
Classification: Uncertain significance for Inborn genetic diseases. Last evaluated: 2024-09-10. Review status: criteria provided, single submitter. Criteria: Ambry Variant Classification Scheme 2023. Collection method: clinical testing. Allele origin: germline.

Labcorp Genetics (formerly Invitae), Labcorp
Classification: Uncertain significance. Last evaluated: 2022-09-01. Review status: criteria provided, single submitter. Criteria: Invitae Variant Classification Sherloc (09022015). Collection method: clinical testing. Allele origin: germline.
Comment: This sequence change replaces arginine, which is basic and polar, with histidine, which is basic and polar, at codon 124 of the TTC19 protein (p.Arg124His). This variant is present in population databases (rs139693104, gnomAD 0.01%). This variant has not been reported in the literature in individuals affected with TTC19-related conditions. ClinVar contains an entry for this variant (Variation ID: 891679). Algorithms developed to predict the effect of missense changes on protein structure and function output the following: SIFT: "Deleterious"; PolyPhen-2: "Benign"; Align-GVGD: "Class C0". The histidine amino acid residue is found in multiple mammalian species, which suggests that this missense change does not adversely affect protein function. In summary, the available evidence is currently insufficient to determine the role of this variant in disease. Therefore, it has been classified as a Variant of Uncertain Significance.

Illumina Laboratory Services, Illumina
Classification: Uncertain significance for Mitochondrial complex III deficiency nuclear type 2. Last evaluated: 2018-01-12. Review status: criteria provided, single submitter. Criteria: ICSL Variant Classification Criteria 13 December 2019. Collection method: clinical testing. Allele origin: germline.